The following is an entry in ClinVar:

NM_001040108.2(MLH3):c.2040T>C (p.Ser680=)

Gene: MLH3 (mutL homolog 3; minus strand). Cytogenetic location: 14q24.3.
Variant type: single nucleotide variant.
Coding change: c.2040T>C on transcript NM_001040108.2 (MANE Select); coding-DNA position 2040, T replaced by C.
Protein change: p.Ser680=; no amino-acid change (serine 680 retained).
Molecular consequence: synonymous variant.
Genome position (GRCh38, 1-based): chr14:75,047,616, A>G on the plus strand (T>C on the coding strand, the complement: MLH3 is on the minus strand). VCF-style: chr14-75047616-A-G. GRCh37 (hg19) VCF-style: chr14-75514319-A-G.
Other names: c.2040T>C, p.Ser680= (NM_014381.3).
Identifiers: ClinVar variation 1784899 (VCV001784899.3), dbSNP rs1455571986, ClinGen allele CA487273195.

ClinVar aggregate classification (germline): Benign/Likely benign. Review status: criteria provided, multiple submitters, no conflicts (2 of 4 stars). 2 submissions from 2 submitters: Benign (1); Likely benign (1). Last evaluated 2026-09-14.

Conditions:
Colorectal cancer, hereditary nonpolyposis, type 7. Identifiers: Orphanet 144, MedGen C1858380, MONDO:0013725, OMIM 614385.

Allele frequency attached by ClinVar (database versions not stated): gnomAD 0.00001; TOPMed below 0.00001.
gnomAD v4.1: 1 of 1,613,956 alleles (0.000062%); highest among the groups gnomAD compares: African/African-American, 0.0013%; no homozygotes.

Submissions (2):

Myriad Genetics, Inc.
Classification: Benign for Colorectal cancer, hereditary nonpolyposis, type 7. Last evaluated: 2026-09-14. Review status: criteria provided, single submitter. Criteria: Myriad Autosomal Dominant, Autosomal Recessive and X-Linked Classification Criteria (2023). Collection method: clinical testing. Allele origin: unknown.
Comment: This variant is considered benign. This variant is a silent/synonymous amino acid change and it is not expected to impact splicing.

Ambry Genetics
Classification: Likely benign. Last evaluated: 2020-03-21. Review status: criteria provided, single submitter. Criteria: Ambry Variant Classification Scheme 2023. Collection method: clinical testing. Allele origin: germline.